The following is an entry in ClinVar:

ClinVar aggregate classification (germline): Uncertain significance. Review status: reviewed by expert panel (3 of 4 stars). 4 submissions from 4 submitters: Uncertain significance (1). 3 of the submissions do not count toward it. Last evaluated 2025-02-25.

Conditions:
Hereditary cancer-predisposing syndrome. Also called: Neoplastic Syndromes, Hereditary; Hereditary Cancer Syndrome; Hereditary neoplastic syndrome; Tumor predisposition. Identifiers: Orphanet 140162, MedGen C0027672, MeSH D009386, MONDO:0015356.
Global developmental delay - lung cysts - overgrowth - Wilms tumor syndrome. Also called: GLOW Syndrome; GLOBAL DEVELOPMENTAL DELAY, LUNG CYSTS, OVERGROWTH, AND WILMS TUMOR. Identifiers: Orphanet 404476, MedGen C4748924, MONDO:0018445, OMIM 618272.
DICER1-related tumor predisposition. Also called: DICER1 syndrome; DICER1-related pleuropulmonary blastoma cancer predisposition syndrome. Identifiers: Orphanet 284343, MedGen C3839822, MONDO:0100216.

Allele frequency attached by ClinVar (database versions not stated): gnomAD 0.00001; gnomAD exomes 0.00001; TOPMed 0.00001; ExAC 0.00002.

Submissions (4):

ClinGen DICER1 and miRNA-Processing Gene Variant Curation Expert Panel, ClinGen
Classification: Uncertain significance for DICER1-related tumor predisposition. Last evaluated: 2025-02-25. Review status: reviewed by expert panel. Criteria: ClinGen DICER1 ACMG Specifications DICER1 V1.3.0. Collection method: curation. Allele origin: germline. Inheritance: Autosomal dominant inheritance.
Comment: The NM_177438.3(DICER1):c.5761A>C variant in DICER1 is a missense variant predicted to cause substitution of asparagine by histidine at amino acid 1921 (p.Asn1921His). Although this variant has been observed in germline cases, to our knowledge, this variant has not been reported in individuals with DICER1-related tumor predisposition (PS4 not met; Internal lab contributors). This variant has an allele frequency of 0.0000006196 (1/1613836 alleles) across gnomAD v4.1.0 with no more than one allele in any subpopulation, which is lower than the ClinGen DICER1 VCEP threshold (<0.000005) for PM2_Supporting, and therefore meets this criterion (PM2_Supporting). In silico tools predict no damaging impact of the variant on protein function (REVEL: 0.152; MaxEntScan and SpliceAI: no effect on splicing) (BP4). In summary, this variant meets the criteria to be classified as a variant of uncertain significance for DICER1-related tumor predisposition based on the ACMG/AMP criteria applied, as specified by the ClinGen DICER1 VCEP: PM2_Supporting, BP4. (Bayesian Points: 0; VCEP specifications version 1.3.0; 02/25/2025).

Labcorp Genetics (formerly Invitae), Labcorp
Classification: Uncertain significance for DICER1-related tumor predisposition. Last evaluated: 2025-12-15. Review status: criteria provided, single submitter. Criteria: Invitae Variant Classification Sherloc (09022015). Collection method: clinical testing. Allele origin: germline. Not counted in ClinVar's aggregate classification.
Comment: This sequence change replaces asparagine, which is neutral and polar, with histidine, which is basic and polar, at codon 1921 of the DICER1 protein (p.Asn1921His). This variant is present in population databases (rs775077210, gnomAD 0.01%). This variant has not been reported in the literature in individuals affected with DICER1-related conditions. ClinVar contains an entry for this variant (Variation ID: 644129). Invitae Evidence Modeling of protein sequence and biophysical properties (such as structural, functional, and spatial information, amino acid conservation, physicochemical variation, residue mobility, and thermodynamic stability) indicates that this missense variant is not expected to disrupt DICER1 protein function with a negative predictive value of 95%. In summary, the available evidence is currently insufficient to determine the role of this variant in disease. Therefore, it has been classified as a Variant of Uncertain Significance.

Ambry Genetics
Classification: Uncertain significance for Hereditary cancer-predisposing syndrome. Last evaluated: 2024-10-19. Review status: criteria provided, single submitter. Criteria: Ambry Variant Classification Scheme 2023. Collection method: clinical testing. Allele origin: germline. Not counted in ClinVar's aggregate classification.
Comment: The p.N1921H variant (also known as c.5761A>C), located in coding exon 26 of the DICER1 gene, results from an A to C substitution at nucleotide position 5761. The asparagine at codon 1921 is replaced by histidine, an amino acid with similar properties. This amino acid position is not well conserved in available vertebrate species. In addition, this alteration is predicted to be tolerated by in silico analysis. Since supporting evidence is limited at this time, the clinical significance of this alteration remains unclear.

Baylor Genetics
Classification: Uncertain significance for Global developmental delay - lung cysts - overgrowth - Wilms tumor syndrome. Last evaluated: 2023-10-20. Review status: criteria provided, single submitter. Criteria: ACMG Guidelines, 2015. Collection method: clinical testing. Allele origin: unknown. Not counted in ClinVar's aggregate classification.

NM_177438.3(DICER1):c.5761A>C (p.Asn1921His)

Gene: DICER1 (dicer 1, ribonuclease III; minus strand). Cytogenetic location: 14q32.13.
Variant type: single nucleotide variant.
Coding change: c.5761A>C on transcript NM_177438.3 (MANE Select); coding-DNA position 5761, A replaced by C.
Protein change: p.Asn1921His; replaces asparagine 1921 with histidine.
Molecular consequence: missense variant. On other transcripts: 3 prime UTR variant (1).
Genome position (GRCh38, 1-based): chr14:95,090,506, T>G on the plus strand (A>C on the coding strand, the complement: DICER1 is on the minus strand). VCF-style: chr14-95090506-T-G. GRCh37 (hg19) VCF-style: chr14-95556843-T-G.
Other names: NM_177438.3(DICER1):c.5761A>C; p.Asn1921His; c.*108A>C (NM_001195573.1); c.5761A>C, p.Asn1921His (NM_001271282.3, NM_001291628.2, NM_030621.4); short protein forms N1921H.
Identifiers: ClinVar variation 644129 (VCV000644129.19), dbSNP rs775077210, ClinGen allele CA7330596.
Genomic context (GRCh38, chr14:95,090,506, plus strand): 5'-TCCCCTTAATTTTTTTTGTTTTGTTTCTTGTTTTGAATTTTAAAAAGCGGTTTCAGCTAT[T>G]GGGAACCTGAGGTTGATTAGCTTTGAGGCTTCGGAGGGCTCTTCTTGCTGCTGCAGATTT-3'
Protein context (NP_803187.1, residues 1911-1922): SLKANQPQVP[Asn1921His]S